The following is an entry in ClinVar:

NM_021074.5(NDUFV2):c.46G>A (p.Ala16Thr)

Gene: NDUFV2 (NADH:ubiquinone oxidoreductase core subunit V2; plus strand). Cytogenetic location: 18p11.22.
Variant type: single nucleotide variant.
Coding change: c.46G>A on transcript NM_021074.5 (MANE Select); coding-DNA position 46, G replaced by A.
Protein change: p.Ala16Thr; replaces alanine 16 with threonine.
Molecular consequence: missense variant.
Genome position (GRCh38, 1-based): chr18:9,102,789, G>A. VCF-style: chr18-9102789-G-A. GRCh37 (hg19) VCF-style: chr18-9102787-G-A.
Other names: c.46G>A (NM_021074.4); short protein forms A16T.
Identifiers: ClinVar variation 1383157 (VCV001383157.7), dbSNP rs765504285, ClinGen allele CA8887033.

ClinVar aggregate classification (germline): Uncertain significance. Review status: criteria provided, multiple submitters, no conflicts (2 of 4 stars). 2 submissions from 2 submitters: Uncertain significance (2). Last evaluated 2025-05-13.

Conditions:
Inborn genetic diseases. Identifiers: MedGen C0950123, MeSH D030342.

Allele frequency attached by ClinVar (database versions not stated): ExAC 0.00007; gnomAD 0.00008 and 0.00011; TOPMed 0.00011.
gnomAD v4.1: 26 of 1,573,102 alleles (0.0017%); highest among the groups gnomAD compares: African/African-American, 0.028%; no homozygotes.

Submissions (2):

Ambry Genetics
Classification: Uncertain significance for Inborn genetic diseases. Last evaluated: 2025-05-13. Review status: criteria provided, single submitter. Criteria: Ambry Variant Classification Scheme 2023. Collection method: clinical testing. Allele origin: germline.

Labcorp Genetics (formerly Invitae), Labcorp
Classification: Uncertain significance. Last evaluated: 2022-10-05. Review status: criteria provided, single submitter. Criteria: Invitae Variant Classification Sherloc (09022015). Collection method: clinical testing. Allele origin: germline.
Comment: The frequency data for this variant in the population databases is considered unreliable, as metrics indicate poor data quality at this position in the gnomAD database. In summary, the available evidence is currently insufficient to determine the role of this variant in disease. Therefore, it has been classified as a Variant of Uncertain Significance. Algorithms developed to predict the effect of missense changes on protein structure and function are either unavailable or do not agree on the potential impact of this missense change (SIFT: "Deleterious"; PolyPhen-2: "Benign"; Align-GVGD: "Class C0"). ClinVar contains an entry for this variant (Variation ID: 1383157). This variant has not been reported in the literature in individuals affected with NDUFV2-related conditions. This sequence change replaces alanine, which is neutral and non-polar, with threonine, which is neutral and polar, at codon 16 of the NDUFV2 protein (p.Ala16Thr).